The following is an entry in ClinVar:

NM_014270.5(SLC7A9):c.1036G>A (p.Val346Ile)

Gene: SLC7A9 (solute carrier family 7 member 9; minus strand). Cytogenetic location: 19q13.11.
Variant type: single nucleotide variant.
Coding change: c.1036G>A on transcript NM_014270.5 (MANE Select); coding-DNA position 1036, G replaced by A.
Protein change: p.Val346Ile; replaces valine 346 with isoleucine.
Molecular consequence: missense variant.
Genome position (GRCh38, 1-based): chr19:32,843,893, C>T on the plus strand (G>A on the coding strand, the complement: SLC7A9 is on the minus strand). VCF-style: chr19-32843893-C-T. GRCh37 (hg19) VCF-style: chr19-33334799-C-T.
Other names: c.1036G>A (NM_014270.4); c.1036G>A, p.Val346Ile (NM_001126335.2, NM_001243036.2); short protein forms V346I.
Identifiers: ClinVar variation 3583588 (VCV003583588.4).

ClinVar aggregate classification (germline): Uncertain significance. Review status: criteria provided, multiple submitters, no conflicts (2 of 4 stars). 3 submissions from 3 submitters: Uncertain significance (3). Last evaluated 2026-06-22.

Conditions:
Cystinuria (CSNU). Also called: CYSTINURIA, TYPE I; CYSTINURIA, TYPE II; CYSTINURIA, TYPE III; Cystinuria, non-type I. Identifiers: Orphanet 214, MedGen C0010691, MONDO:0009067, OMIM 220100, HP:0003131.
SLC7A9-related disorder. Also called: SLC7A9-related condition.

gnomAD v4.1: 95 of 1,613,790 alleles (0.0059%); highest among the groups gnomAD compares: South Asian, 0.067%; no homozygotes.

Submissions (3):

PreventionGenetics, part of Exact Sciences
Classification: Uncertain significance for SLC7A9-related condition. Last evaluated: 2026-06-22. Review status: criteria provided, single submitter. Criteria: ACMG Guidelines, 2015. Collection method: clinical testing. Allele origin: germline.
Comment: The SLC7A9 c.1036G>A variant is predicted to result in the amino acid substitution p.Val346Ile. To our knowledge, this variant has not been reported in the literature. This variant is reported in 0.075% of alleles in individuals of South Asian descent in gnomAD. At this time, the clinical significance of this variant is uncertain due to the absence of conclusive functional and genetic evidence.

Labcorp Genetics (formerly Invitae), Labcorp
Classification: Uncertain significance. Last evaluated: 2024-07-23. Review status: criteria provided, single submitter. Criteria: Invitae Variant Classification Sherloc (09022015). Collection method: clinical testing. Allele origin: germline.
Comment: This sequence change replaces valine, which is neutral and non-polar, with isoleucine, which is neutral and non-polar, at codon 346 of the SLC7A9 protein (p.Val346Ile). This variant is present in population databases (rs780778962, gnomAD 0.07%). This variant has not been reported in the literature in individuals affected with SLC7A9-related conditions. Advanced modeling of protein sequence and biophysical properties (such as structural, functional, and spatial information, amino acid conservation, physicochemical variation, residue mobility, and thermodynamic stability) performed at Invitae indicates that this missense variant is not expected to disrupt SLC7A9 protein function with a negative predictive value of 80%. In summary, the available evidence is currently insufficient to determine the role of this variant in disease. Therefore, it has been classified as a Variant of Uncertain Significance.

Fulgent Genetics
Classification: Uncertain significance for Cystinuria. Last evaluated: 2024-06-17. Review status: criteria provided, single submitter. Criteria: ACMG Guidelines, 2015. Collection method: clinical testing. Allele origin: germline.